The following is an entry in ClinVar:

NM_000123.4(ERCC5):c.1641C>T (p.Asn547=)

Genes: BIVM-ERCC5 (BIVM-ERCC5 readthrough; plus strand), ERCC5 (ERCC excision repair 5, endonuclease; plus strand). Cytogenetic location: 13q33.1.
Variant type: single nucleotide variant.
Coding change: c.1641C>T on transcript NM_000123.4 (MANE Select); coding-DNA position 1641, C replaced by T.
Protein change: p.Asn547=; no amino-acid change (asparagine 547 retained).
Molecular consequence: synonymous variant.
Genome position (GRCh38, 1-based): chr13:102,862,790, C>T. VCF-style: chr13-102862790-C-T. GRCh37 (hg19) VCF-style: chr13-103515140-C-T.
Other names: c.3003C>T, p.Asn1001= (NM_001204425.2).
Identifiers: ClinVar variation 310924 (VCV000310924.53), dbSNP rs200615101, ClinGen allele CA7041447.
Genomic context (GRCh38, chr13:102,862,790, plus strand): 5'-AACTTGTACAAATTCTGTGTCAAAGAATGAAACACATGCTGAAGTGCTTGAGCAGCAGAA[C>T]GAACTTTGCCCATATGAGAGTAAATTCGATTCTTCTCTTCTTTCAAGTGATGATGAAACA-3'
Protein context (NP_000114.3, residues 537-557): ETHAEVLEQQ[Asn547=]ELCPYESKFD

ClinVar aggregate classification (germline): Conflicting classifications of pathogenicity. Review status: criteria provided, conflicting classifications (1 of 4 stars). 6 submissions from 6 submitters: Uncertain significance (1); Likely benign (5). Last evaluated 2026-09-01.

Conditions:
Hereditary cancer-predisposing syndrome. Also called: Tumor predisposition; Neoplastic Syndromes, Hereditary; Hereditary neoplastic syndrome; Hereditary Cancer Syndrome. Identifiers: Orphanet 140162, MedGen C0027672, MeSH D009386, MONDO:0015356.
Xeroderma pigmentosum, group G (XPG). Also called: ERCC5-Related Xeroderma Pigmentosum; XERODERMA PIGMENTOSUM VII; XP, GROUP G; Xeroderma pigmentosum type 7. Identifiers: MedGen C0268141, MONDO:0010216, OMIM 278780.

Allele frequency attached by ClinVar (database versions not stated): ExAC 0.00021; ESP Exome Variant Server 0.00023; gnomAD exomes 0.00024 and 0.00057; TOPMed 0.00026; gnomAD 0.00029; 1000 Genomes Project 30x 0.00031; 1000 Genomes Project 0.00040.
gnomAD v4.1: 868 of 1,614,190 alleles (0.054%); highest among the groups gnomAD compares: Non-Finnish European, 0.068%; 1 homozygote.

Submissions (6):

CeGaT Center for Human Genetics Tuebingen
Classification: Likely benign. Last evaluated: 2026-09-01. Review status: criteria provided, single submitter. Criteria: CeGaT Center For Human Genetics Tuebingen Variant Classification Criteria Version 2. Collection method: clinical testing. Allele origin: germline. Affected: yes. Observed: 4 variant alleles.
Comment: ERCC5: BP4, BP7

Labcorp Genetics (formerly Invitae), Labcorp
Classification: Likely benign. Last evaluated: 2025-12-30. Review status: criteria provided, single submitter. Criteria: Invitae Variant Classification Sherloc (09022015). Collection method: clinical testing. Allele origin: germline.

Blueprint Genetics
Classification: Likely benign. Last evaluated: 2024-05-15. Review status: criteria provided, single submitter. Criteria: ACMG Guidelines, 2015. Collection method: clinical testing. Allele origin: germline.

Sema4
Classification: Likely benign for Hereditary cancer-predisposing syndrome. Last evaluated: 2021-12-28. Review status: criteria provided, single submitter. Criteria: Sema4 Curation Guidelines. Collection method: curation. Allele origin: germline.

Institute for Clinical Genetics, University Hospital TU Dresden, University Hospital TU Dresden
Classification: Likely benign. Last evaluated: 2021-11-03. Review status: criteria provided, single submitter. Criteria: ACMG Guidelines, 2015. Collection method: clinical testing. Allele origin: germline.

Illumina Laboratory Services, Illumina
Classification: Uncertain significance for Xeroderma pigmentosum, group G. Last evaluated: 2018-01-13. Review status: criteria provided, single submitter. Criteria: ICSL Variant Classification Criteria 13 December 2019. Collection method: clinical testing. Allele origin: germline.